The following is an entry in ClinVar:

NM_001114748.2(TMEM240):c.346C>T (p.Arg116Cys)

Gene: TMEM240 (transmembrane protein 240; minus strand). Cytogenetic location: 1p36.33.
Variant type: single nucleotide variant.
Coding change: c.346C>T on transcript NM_001114748.2 (MANE Select); coding-DNA position 346, C replaced by T.
Protein change: p.Arg116Cys; replaces arginine 116 with cysteine.
Molecular consequence: missense variant.
Genome position (GRCh38, 1-based): chr1:1,535,616, G>A on the plus strand (C>T on the coding strand, the complement: TMEM240 is on the minus strand). VCF-style: chr1-1535616-G-A. GRCh37 (hg19) VCF-style: chr1-1470996-G-A.
Other names: short protein forms R116C.
Identifiers: ClinVar variation 161194 (VCV000161194.4), dbSNP rs606231453, ClinGen allele CA272847.

ClinVar aggregate classification (germline): Uncertain significance. Review status: criteria provided, multiple submitters, no conflicts (2 of 4 stars). 3 submissions from 3 submitters: Uncertain significance (2). 1 of the submissions does not count toward it. Last evaluated 2024-03-25.

Conditions:
Spinocerebellar ataxia type 21 (SCA21). Identifiers: Orphanet 98773, MedGen C1843891, MONDO:0011833, OMIM 607454.

Allele frequency attached by ClinVar (database versions not stated): gnomAD 0.00005 and 0.00004; gnomAD exomes 0.00001; TOPMed 0.00002.
gnomAD v4.1: 23 of 1,549,570 alleles (0.0015%); highest among the groups gnomAD compares: African/African-American, 0.0082%; no homozygotes.

Submissions (3):

Genomic Medicine Center of Excellence, King Faisal Specialist Hospital and Research Centre
Classification: Uncertain significance for Spinocerebellar ataxia type 21. Last evaluated: 2024-03-25. Review status: criteria provided, single submitter. Criteria: ACMG Guidelines, 2015. Collection method: clinical testing. Allele origin: germline.

GeneDx
Classification: Uncertain significance. Last evaluated: 2024-02-08. Review status: criteria provided, single submitter. Criteria: GeneDx Variant Classification Process June 2021. Collection method: clinical testing. Allele origin: germline. Affected: yes.
Comment: Published functional studies suggest this variant impairs dendritic development and exhibits progressive motor impairment; however, this variant does not appear to have an effect on expression pattern, morphology, or subcellular location (PMID: 30184469, 34157318); In silico analysis supports that this missense variant has a deleterious effect on protein structure/function; This variant is associated with the following publications: (PMID: 34401960, 34157318, 30184469, 25070513)

OMIM
Classification: Pathogenic for SPINOCEREBELLAR ATAXIA 21. Last evaluated: 2014-10-01. Review status: no assertion criteria provided. Collection method: literature only. Allele origin: germline. Not counted in ClinVar's aggregate classification.

Literature cited by the submitters: PubMed 25070513 (cited by OMIM).